The following is an entry in ClinVar:

ClinVar aggregate classification (germline): Uncertain significance. Review status: criteria provided, multiple submitters, no conflicts (2 of 4 stars). 2 submissions from 2 submitters: Uncertain significance (2). Last evaluated 2025-10-29.

Conditions:
Hereditary cancer-predisposing syndrome. Also called: Neoplastic Syndromes, Hereditary; Hereditary Cancer Syndrome; Tumor predisposition; Hereditary neoplastic syndrome. Identifiers: Orphanet 140162, MedGen C0027672, MeSH D009386, MONDO:0015356.

Allele frequency attached by ClinVar (database versions not stated): gnomAD exomes below 0.00001.
gnomAD v4.1: 2 of 1,613,692 alleles (0.00012%); highest among the groups gnomAD compares: East Asian, 0.0045%; no homozygotes.

Submissions (2):

Labcorp Genetics (formerly Invitae), Labcorp
Classification: Uncertain significance. Last evaluated: 2025-10-29. Review status: criteria provided, single submitter. Criteria: Invitae Variant Classification Sherloc (09022015). Collection method: clinical testing. Allele origin: germline.
Comment: This sequence change replaces isoleucine, which is neutral and non-polar, with phenylalanine, which is neutral and non-polar, at codon 2199 of the POLE protein (p.Ile2199Phe). This variant is present in population databases (no rsID available, gnomAD 0.006%). This variant has not been reported in the literature in individuals affected with POLE-related conditions. ClinVar contains an entry for this variant (Variation ID: 1038320). Invitae Evidence Modeling of protein sequence and biophysical properties (such as structural, functional, and spatial information, amino acid conservation, physicochemical variation, residue mobility, and thermodynamic stability) indicates that this missense variant is not expected to disrupt POLE protein function with a negative predictive value of 80%. In summary, the available evidence is currently insufficient to determine the role of this variant in disease. Therefore, it has been classified as a Variant of Uncertain Significance.

Ambry Genetics
Classification: Uncertain significance for Hereditary cancer-predisposing syndrome. Last evaluated: 2025-07-03. Review status: criteria provided, single submitter. Criteria: Ambry Variant Classification Scheme 2023. Collection method: clinical testing. Allele origin: germline.
Comment: The p.I2199F variant (also known as c.6595A>T), located in coding exon 47 of the POLE gene, results from an A to T substitution at nucleotide position 6595. The isoleucine at codon 2199 is replaced by phenylalanine, an amino acid with highly similar properties. This amino acid position is highly conserved in available vertebrate species. In addition, the in silico prediction for this alteration is inconclusive. Based on the available evidence, the clinical significance of this variant remains unclear.

NM_006231.4(POLE):c.6595A>T (p.Ile2199Phe)

Gene: POLE (DNA polymerase epsilon, catalytic subunit; minus strand). Cytogenetic location: 12q24.33.
Variant type: single nucleotide variant.
Coding change: c.6595A>T on transcript NM_006231.4 (MANE Select); coding-DNA position 6595, A replaced by T.
Protein change: p.Ile2199Phe; replaces isoleucine 2199 with phenylalanine.
Molecular consequence: missense variant.
Genome position (GRCh38, 1-based): chr12:132,625,707, T>A on the plus strand (A>T on the coding strand, the complement: POLE is on the minus strand). VCF-style: chr12-132625707-T-A. GRCh37 (hg19) VCF-style: chr12-133202293-T-A.
Other names: c.6595A>T (NM_006231.2); short protein forms I2199F.
Identifiers: ClinVar variation 1038320 (VCV001038320.8), dbSNP rs1220509815, ClinGen allele CA387366659.